The following is an entry in ClinVar:

ClinVar aggregate classification (germline): Likely benign (1 of 4 stars; one submission).

Allele frequency attached by ClinVar (database versions not stated): TOPMed 0.01516; 1000 Genomes Project 30x 0.02289.
gnomAD v4.1: 1,538 of 110,078 alleles (1.4%); highest among the groups gnomAD compares: African/African-American, 4.8%; 25 homozygotes.

Submission:

GeneDx
Classification: Likely benign. Last evaluated: 2018-06-14. Review status: criteria provided, single submitter. Criteria: GeneDx Variant Classification (06012015). Collection method: clinical testing. Allele origin: germline. Affected: yes.
Comment: This variant is considered likely benign or benign based on one or more of the following criteria: it is a conservative change, it occurs at a poorly conserved position in the protein, it is predicted to be benign by multiple in silico algorithms, and/or has population frequency not consistent with disease.

NM_000052.7(ATP7A):c.3659-257G>C

Gene: ATP7A (ATPase copper transporting alpha; plus strand). Cytogenetic location: Xq21.1.
Variant type: single nucleotide variant.
Coding change: c.3659-257G>C on transcript NM_000052.7 (MANE Select); 257 bases into the intron before coding-DNA position 3659, G replaced by C.
Molecular consequence: intron variant.
Genome position (GRCh38, 1-based): chrX:78,040,334, G>C. VCF-style: chrX-78040334-G-C. GRCh37 (hg19) VCF-style: chrX-77295832-G-C.
Other names: c.3425-257G>C (NM_001282224.2).
Identifiers: ClinVar variation 672858 (VCV000672858.1), dbSNP rs138431566, ClinGen allele CA331108177.